The following is an entry in ClinVar:

NM_001360.3(DHCR7):c.832-4G>A

Gene: DHCR7 (7-dehydrocholesterol reductase; minus strand). Cytogenetic location: 11q13.4.
Variant type: single nucleotide variant.
Coding change: c.832-4G>A on transcript NM_001360.3 (MANE Select); 4 bases into the intron before coding-DNA position 832, G replaced by A.
Molecular consequence: intron variant.
Genome position (GRCh38, 1-based): chr11:71,437,947, C>T on the plus strand (G>A on the coding strand, the complement: DHCR7 is on the minus strand). VCF-style: chr11-71437947-C-T. GRCh37 (hg19) VCF-style: chr11-71148993-C-T.
Other names: c.832-4G>A (NM_001360.2, NM_001163817.2).
Identifiers: ClinVar variation 1105514 (VCV001105514.10), dbSNP rs757845039, ClinGen allele CA6162418.

ClinVar aggregate classification (germline): Likely benign. Review status: criteria provided, multiple submitters, no conflicts (2 of 4 stars). 2 submissions from 2 submitters: Likely benign (2). Last evaluated 2026-06-22.

Conditions:
DHCR7-related disorder. Also called: DHCR7-related condition.
Smith-Lemli-Opitz syndrome (SLOS). Also called: 7-Dehydrocholesterol reductase deficiency; LETHAL ACRODYSGENITAL SYNDROME; POLYDACTYLY, SEX REVERSAL, RENAL HYPOPLASIA, AND UNILOBAR LUNG; RSH SYNDROME; RUTLEDGE LETHAL MULTIPLE CONGENITAL ANOMALY SYNDROME. Identifiers: Orphanet 818, MedGen C0175694, MONDO:0010035, OMIM 270400.

Allele frequency attached by ClinVar (database versions not stated): gnomAD exomes below 0.00001 and 0.00001; TOPMed below 0.00001; ExAC 0.00001.
gnomAD v4.1: 3 of 1,612,746 alleles (0.00019%); highest among the groups gnomAD compares: African/African-American, 0.0027%; no homozygotes.

Submissions (2):

PreventionGenetics, part of Exact Sciences
Classification: Likely benign for DHCR7-related condition. Last evaluated: 2026-06-22. Review status: criteria provided, single submitter. Criteria: ACMG Guidelines, 2015. Collection method: clinical testing. Allele origin: germline.
Comment: This variant is classified as likely benign based on ACMG/AMP sequence variant interpretation guidelines (Richards et al. 2015 PMID: 25741868, with internal and published modifications).

Labcorp Genetics (formerly Invitae), Labcorp
Classification: Likely benign for Smith-Lemli-Opitz syndrome. Last evaluated: 2023-09-06. Review status: criteria provided, single submitter. Criteria: Invitae Variant Classification Sherloc (09022015). Collection method: clinical testing. Allele origin: germline.